The following is an entry in ClinVar:

NM_001195305.3(BBIP1):c.195del (p.Lys65fs)

Gene: BBIP1 (BBSome interacting protein 1; minus strand). Cytogenetic location: 10q25.2.
Variant type: Deletion.
Coding change: c.195del on transcript NM_001195305.3 (MANE Select); coding-DNA position 195, one base deleted (A; older notation c.195delA).
Protein change: p.Lys65fs; shifts the reading frame from lysine 65.
Molecular consequence: frameshift variant. On other transcripts: 3 prime UTR variant (1).
Genome position (GRCh38, 1-based): chr10:110,900,444, T deleted on the plus strand (A on the coding strand, the reverse complement: BBIP1 is on the minus strand); the first of 5 consecutive T bases (chr10:110,900,444-110,900,448); deleting any one gives the same sequence. VCF-style (leftmost placement, unchanged base first): chr10-110900443-GT-G. GRCh37 (hg19) VCF-style: chr10-112660201-GT-G.
Other names: c.*40del (NM_001195304.2); c.195del, p.Lys65fs (NM_001195306.2); c.120del, p.Lys40fs (NM_001195307.2); c.129del, p.Lys43fs (NM_001243783.3); short protein forms K40fs, K43fs, K65fs.
Identifiers: ClinVar variation 2096791 (VCV002096791.4), dbSNP rs2493634590, ClinGen allele CA2580082351.
Genomic context (GRCh38, chr10:110,900,443, plus strand): 5'-CCTTTTCTGCCATTTCTTGTTGGCGAATTGTATTCTGTGCTGCTTGATGCATTTTCTCTA[GT>G]TTTTCCAGAGTCAGAGATTTTAAGGGTAAAAGTTTGGGTTTACACAGCACCATTGTCATT-3'

ClinVar aggregate classification (germline): Uncertain significance (1 of 4 stars; one submission).

Submission:

Labcorp Genetics (formerly Invitae), Labcorp
Classification: Uncertain significance. Last evaluated: 2023-10-13. Review status: criteria provided, single submitter. Criteria: Invitae Variant Classification Sherloc (09022015). Collection method: clinical testing. Allele origin: germline.
Comment: This sequence change creates a premature translational stop signal (p.Lys65Asnfs*2) in the BBIP1 gene. While this is not anticipated to result in nonsense mediated decay, it is expected to disrupt the last 28 amino acid(s) of the BBIP1 protein. This variant is not present in population databases (gnomAD no frequency). This variant has not been reported in the literature in individuals affected with BBIP1-related conditions. ClinVar contains an entry for this variant (Variation ID: 2096791). Experimental studies and prediction algorithms are not available or were not evaluated, and the functional significance of this variant is currently unknown. In summary, the available evidence is currently insufficient to determine the role of this variant in disease. Therefore, it has been classified as a Variant of Uncertain Significance.